The following is an entry in ClinVar:

NC_000011.10:g.2002368G>A

Genes: H19 (H19 imprinted maternally expressed transcript; minus strand), H19-ICR (H19/IGF2 imprinting control region; plus strand), MRPL23 (mitochondrial ribosomal protein L23; plus strand). Cytogenetic location: 11p15.5.
Variant type: single nucleotide variant.
Molecular consequence: intron variant (on NM_001400176.1).
Genome position: GRCh38 VCF-style: chr11-2002368-G-A. GRCh37 (hg19) VCF-style: chr11-2023598-G-A.
Other names: c.498-9173G>A (NM_001400176.1).
Identifiers: ClinVar variation 3356074 (VCV003356074.1).

ClinVar aggregate classification (germline): Likely benign (0 of 4 stars; one submission).

Conditions:
H19-related disorder. Also called: H19-related condition.

Submission:

PreventionGenetics, part of Exact Sciences
Classification: Likely benign for H19-related condition. Last evaluated: 2024-08-09. Review status: no assertion criteria provided. Collection method: clinical testing. Allele origin: germline.
Comment: This variant is classified as likely benign based on ACMG/AMP sequence variant interpretation guidelines (Richards et al. 2015 PMID: 25741868, with internal and published modifications).